The following is an entry in ClinVar:

ClinVar aggregate classification (germline): Pathogenic (1 of 4 stars; one submission).

Conditions:
Ataxia-telangiectasia syndrome (AT). Also called: LOUIS-BAR SYNDROME; Cerebello-oculocutaneous telangiectasia; Immunodeficiency with ataxia telangiectasia; AT, COMPLEMENTATION GROUP C; Ataxia-telangiectasia, complementation group D; ATAXIA-TELANGIECTASIA, COMPLEMENTATION GROUP A. Identifiers: Orphanet 100, MedGen C0004135, MONDO:0008840, OMIM 208900.

Submission:

Labcorp Genetics (formerly Invitae), Labcorp
Classification: Pathogenic for Ataxia-telangiectasia syndrome. Last evaluated: 2023-09-12. Review status: criteria provided, single submitter. Criteria: Invitae Variant Classification Sherloc (09022015). Collection method: clinical testing. Allele origin: unknown.
Comment: This variant is a gross deletion of the genomic region encompassing exon(s) 17-61 of the ATM gene. This variant would be expected to be in-frame, preserving the integrity of the reading frame. This variant has not been reported in the literature in individuals affected with ATM-related conditions. The region of the ATM gene that includes exon(s) 30-61 has been determined to be clinically significant (PMID: 16941484; Invitae). Therefore, deletions that encompass that region are likely to be disease-causing. For these reasons, this variant has been classified as Pathogenic.

Literature cited by the submitters: PubMed 16941484.

NC_000011.10:g.(?_108267161)_(108354884_?)del

Genes: ATM (ATM serine/threonine kinase; plus strand), C11orf65 (chromosome 11 open reading frame 65; minus strand), LOC128772356 (melanoma risk locus-associated MPRA allelic enhancer 11:108140516; plus strand), LOC129390354 (MPRA-validated peak1451 silencer; plus strand). Cytogenetic location: 11q22.3.
Variant type: Deletion.
Identifiers: ClinVar variation 3244464 (VCV003244464.1).